The following is an entry in ClinVar:

NM_014000.3(VCL):c.956G>C (p.Arg319Thr)

Gene: VCL (vinculin; plus strand). Cytogenetic location: 10q22.2.
Variant type: single nucleotide variant.
Coding change: c.956G>C on transcript NM_014000.3 (MANE Select); coding-DNA position 956, G replaced by C.
Protein change: p.Arg319Thr; replaces arginine 319 with threonine.
Molecular consequence: missense variant.
Genome position (GRCh38, 1-based): chr10:74,083,447, G>C. VCF-style: chr10-74083447-G-C. GRCh37 (hg19) VCF-style: chr10-75843205-G-C.
Other names: c.956G>C, p.Arg319Thr (NM_003373.4); short protein forms R319T.
Identifiers: ClinVar variation 4615406 (VCV004615406.1).

ClinVar aggregate classification (germline): Uncertain significance (1 of 4 stars; one submission).

Conditions:
Cardiovascular phenotype. Identifiers: MedGen CN230736.

Submission:

Ambry Genetics
Classification: Uncertain significance for Cardiovascular phenotype. Last evaluated: 2025-10-12. Review status: criteria provided, single submitter. Criteria: Ambry Variant Classification Scheme 2023. Collection method: clinical testing. Allele origin: germline.
Comment: The p.R319T variant (also known as c.956G>C), located in coding exon 8 of the VCL gene, results from a G to C substitution at nucleotide position 956. The arginine at codon 319 is replaced by threonine, an amino acid with similar properties. This amino acid position is conserved. In addition, the in silico prediction for this alteration is inconclusive. Based on the available evidence, the clinical significance of this variant remains unclear.